The following is an entry in ClinVar:

ClinVar aggregate classification (germline): Conflicting classifications of pathogenicity. Review status: criteria provided, conflicting classifications (1 of 4 stars). 18 submissions from 14 submitters: Uncertain significance (8); Benign (5); Likely benign (5). Last evaluated 2026-06-01.

Conditions:
Cardiovascular phenotype. Identifiers: MedGen CN230736.
Dilated cardiomyopathy 1G (CMD1G). Identifiers: Orphanet 154, MedGen C1858763, MONDO:0011400, OMIM 604145.
Autosomal recessive limb-girdle muscular dystrophy type 2J (LGMDR10). Also called: Limb-girdle muscular dystrophy, type 2J; MUSCULAR DYSTROPHY, LIMB-GIRDLE, AUTOSOMAL RECESSIVE 10. Identifiers: Orphanet 140922, MedGen C1837342, MONDO:0012127, OMIM 608807.
Myopathy, myofibrillar, 9, with early respiratory failure (MFM9). Also called: EDSTROM MYOPATHY; MYOPATHY, PROXIMAL, WITH EARLY RESPIRATORY MUSCLE INVOLVEMENT; Hereditary myopathy with early respiratory failure; Myopathy, distal, with early respiratory failure, autosomal dominant. Identifiers: Orphanet 178464, Orphanet 34521, MedGen C1863599, MONDO:0011362, OMIM 603689.
Tibial muscular dystrophy (TMD). Also called: Udd Distal Myopathy – Tibial Muscular Dystrophy; Tibial muscular dystrophy, tardive; UDD MYOPATHY. Identifiers: Orphanet 609, MedGen C1838244, MONDO:0010870, OMIM 600334.
Early-onset myopathy with fatal cardiomyopathy (CMYO5). Also called: CONGENITAL MYOPATHY 5 WITH CARDIOMYOPATHY; Salih Myopathy. Identifiers: Orphanet 289377, MedGen C2673677, MONDO:0012714, OMIM 611705. Disease mechanism: loss of function.
Hypertrophic cardiomyopathy 9. Also called: Familial hypertrophic cardiomyopathy 9. Identifiers: MedGen C1861065, MONDO:0013412, OMIM 613765.
Myopathy. Identifiers: MedGen C0026848, MeSH D009135, MONDO:0005336, HP:0003198.

Allele frequency attached by ClinVar (database versions not stated): TOPMed 0.00025; gnomAD 0.00029; ExAC 0.00038; gnomAD exomes 0.00046; 1000 Genomes Project 30x 0.00016; 1000 Genomes Project 0.00020.
gnomAD v4.1: 521 of 1,613,452 alleles (0.032%); highest among the groups gnomAD compares: Middle Eastern, 0.017%; 3 homozygotes.

Submissions (18):

CeGaT Center for Human Genetics Tuebingen
Classification: Likely benign. Last evaluated: 2026-06-01. Review status: criteria provided, single submitter. Criteria: CeGaT Center For Human Genetics Tuebingen Variant Classification Criteria Version 2. Collection method: clinical testing. Allele origin: germline. Affected: yes. Observed: 18 variant alleles.
Comment: TTN: BS2

Labcorp Genetics (formerly Invitae), Labcorp
Classification: Benign for Dilated cardiomyopathy 1G; Autosomal recessive limb-girdle muscular dystrophy type 2J. Last evaluated: 2026-01-27. Review status: criteria provided, single submitter. Criteria: Invitae Variant Classification Sherloc (09022015). Collection method: clinical testing. Allele origin: germline.

Clinical Genomics Laboratory, Washington University in St. Louis
Classification: Uncertain significance for Dilated cardiomyopathy 1G; Hypertrophic cardiomyopathy 9. Last evaluated: 2025-01-24. Review status: criteria provided, single submitter. Criteria: ACMG Guidelines, 2015. Collection method: clinical testing. Allele origin: germline.
Comment: The TTN c.73604C>A (p.Ser24535Tyr) variant has been reported as a germline variant of uncertain significance in one individual with restrictive cardiomyopathy (Kostareva A et al., PMID: 27662471). This variant has been reported in the ClinVar database as a germline variant of uncertain by four submitters and as a germline likely benign/benign variant by six submitters (Variation ID: 179981). This variant is observed on 124/279,748 alleles in the general population (gnomAD v.2.1.1). Computational predictors are uncertain as to the impact of this variant on TTN function. Due to conflicting information, and based on ACMG/AMP guidelines for variant interpretation (Richards S et al., PMID: 25741868), the clinical significance of the TTN c.73604C>A (p.Ser24535Tyr) variant is uncertain at this time.

Blueprint Genetics
Classification: Likely benign. Last evaluated: 2024-10-17. Review status: criteria provided, single submitter. Criteria: ACMG Guidelines, 2015. Collection method: clinical testing. Allele origin: germline.

Athena Diagnostics
Classification: Benign. Last evaluated: 2024-03-28. Review status: criteria provided, single submitter. Criteria: Athena Diagnostics Criteria. Collection method: clinical testing. Allele origin: unknown.

Women's Health and Genetics/Laboratory Corporation of America, LabCorp
Classification: Benign. Last evaluated: 2022-03-07. Review status: criteria provided, single submitter. Criteria: LabCorp Variant Classification Summary - May 2015. Collection method: clinical testing. Allele origin: germline.
Comment: Variant summary: TTN c.65900C>A (p.Ser21967Tyr) results in a non-conservative amino acid change in the encoded protein sequence. Three of four in-silico tools predict a damaging effect of the variant on protein function. The variant allele was found at a frequency of 0.00046 in 248366 control chromosomes. The observed variant frequency is slightly higher than the estimated maximal expected allele frequency for a pathogenic variant in TTN causing Dilated Cardiomyopathy phenotype (0.00039), strongly suggesting that the variant is benign. To our knowledge, no occurrence of c.65900C>A in individuals affected with Dilated Cardiomyopathy and no experimental evidence demonstrating its impact on protein function have been reported. Six clinical diagnostic laboratories have submitted clinical-significance assessments for this variant to ClinVar after 2014 without evidence for independent evaluation. Multiple laboratories reported the variant with conflicting assessments (Benign/likely benign n=2, VUS n=4). Based on the evidence outlined above, the variant was classified as benign.

Department of Pathology and Laboratory Medicine, Sinai Health System
Classification: Uncertain significance for Tibial muscular dystrophy; Myopathy, myofibrillar, 9, with early respiratory failure; Dilated cardiomyopathy 1G; Autosomal recessive limb-girdle muscular dystrophy type 2J; Early-onset myopathy with fatal cardiomyopathy; Hypertrophic cardiomyopathy 9. Last evaluated: 2021-07-30. Review status: criteria provided, single submitter. Criteria: ACMG Guidelines, 2015. Collection method: research. Allele origin: germline.

GeneDx
Classification: Likely benign. Last evaluated: 2021-03-15. Review status: criteria provided, single submitter. Criteria: GeneDx Variant Classification Process June 2021. Collection method: clinical testing. Allele origin: germline. Affected: yes.
Comment: This variant is associated with the following publications: (PMID: 23861362, 27662471)

Ambry Genetics
Classification: Likely benign for Cardiovascular phenotype. Last evaluated: 2019-06-20. Review status: criteria provided, single submitter. Criteria: Ambry Variant Classification Scheme 2023. Collection method: clinical testing. Allele origin: germline.

Illumina Laboratory Services, Illumina
Classification: Uncertain significance for Dilated cardiomyopathy 1G. Last evaluated: 2018-01-12. Review status: criteria provided, single submitter. Criteria: ICSL Variant Classification Criteria 13 December 2019. Collection method: clinical testing. Allele origin: germline.

Illumina Laboratory Services, Illumina
Classification: Benign for Myopathy, myofibrillar, 9, with early respiratory failure. Last evaluated: 2018-01-12. Review status: criteria provided, single submitter. Criteria: ICSL Variant Classification Criteria 13 December 2019. Collection method: clinical testing. Allele origin: germline.
Comment: This variant was observed in the ICSL laboratory as part of a predisposition screen in an ostensibly healthy population. It had not been previously curated by ICSL or reported in the Human Gene Mutation Database (HGMD: prior to June 1st, 2018), and was therefore a candidate for classification through an automated scoring system. Utilizing variant allele frequency, disease prevalence and penetrance estimates, and inheritance mode, an automated score was calculated to assess if this variant is too frequent to cause the disease. Based on the score and internal cut-off values, a variant classified as benign is not then subjected to further curation. The score for this variant resulted in a classification of benign for this disease.

Illumina Laboratory Services, Illumina
Classification: Benign for Tibial muscular dystrophy. Last evaluated: 2018-01-12. Review status: criteria provided, single submitter. Criteria: ICSL Variant Classification Criteria 13 December 2019. Collection method: clinical testing. Allele origin: germline.
Comment: the same text as in the submission from Illumina Laboratory Services, Illumina above.

Illumina Laboratory Services, Illumina
Classification: Uncertain significance for Early-onset myopathy with fatal cardiomyopathy. Last evaluated: 2018-01-12. Review status: criteria provided, single submitter. Criteria: ICSL Variant Classification Criteria 13 December 2019. Collection method: clinical testing. Allele origin: germline.

Illumina Laboratory Services, Illumina
Classification: Uncertain significance for Autosomal recessive limb-girdle muscular dystrophy type 2J. Last evaluated: 2018-01-12. Review status: criteria provided, single submitter. Criteria: ICSL Variant Classification Criteria 13 December 2019. Collection method: clinical testing. Allele origin: germline.

Eurofins Ntd Llc (ga)
Classification: Uncertain significance. Last evaluated: 2017-04-05. Review status: criteria provided, single submitter. Criteria: EGL Classification Definitions 2015. Collection method: clinical testing. Allele origin: germline. Observed: 4 variant alleles, 4 heterozygotes.

Centre for Mendelian Genomics, University Medical Centre Ljubljana
Classification: Uncertain significance for Myopathy. Last evaluated: 2014-12-12. Review status: criteria provided, single submitter. Criteria: ACMG Guidelines, 2015. Collection method: clinical testing. Allele origin: unknown. Affected: yes.

Laboratory for Molecular Medicine, Mass General Brigham Personalized Medicine
Classification: Uncertain significance. Last evaluated: 2014-08-22. Review status: criteria provided, single submitter. Criteria: LMM Criteria. Collection method: clinical testing. Allele origin: germline. Observed: 1 variant allele.
Comment: The Ser21967Tyr variant in TTN has not been previously reported in individuals w ith cardiomyopathy, but has been identified in 1/590 of European chromosomes by the ClinSeq Project (dbSNP rs201804005). Computational prediction tools and cons ervation analysis do not provide strong support for or against an impact to the protein. In summary, the clinical significance of the Ser21967Tyr variant is unc ertain.

Biesecker Lab/Clinical Genomics Section, National Institutes of Health
Classification: Likely benign. Last evaluated: 2013-06-24. Review status: criteria provided, single submitter. Criteria: Ng et al. (Circ Cardiovasc Genet. 2013). Collection method: research. Allele origin: unknown. Observed: 4 variant alleles. Study: ClinSeq.
Comment: The study set was not selected for affection status in relation to any cancer. Pathogenicity categories were based on literature curation. See Pubmed ID:23861362 for details.

Medical sequencing

Literature cited by the submitters: PubMed 27662471 (cited by Athena Diagnostics); PubMed 29420653 (cited by Athena Diagnostics); PubMed 28831623 (cited by Athena Diagnostics).

NM_001267550.2(TTN):c.73604C>A (p.Ser24535Tyr)

Genes: TTN (titin; minus strand), TTN-AS1 (TTN antisense RNA 1; plus strand). Cytogenetic location: 2q31.2.
Variant type: single nucleotide variant.
Coding change: c.73604C>A on transcript NM_001267550.2 (MANE Select); coding-DNA position 73604, C replaced by A.
Protein change: p.Ser24535Tyr; replaces serine 24535 with tyrosine.
Molecular consequence: missense variant.
Genome position (GRCh38, 1-based): chr2:178,572,528, G>T on the plus strand (C>A on the coding strand, the complement: TTN is on the minus strand). VCF-style: chr2-178572528-G-T. GRCh37 (hg19) VCF-style: chr2-179437255-G-T.
Other names: p.S22894Y:TCT>TAT; c.68681C>A, p.Ser22894Tyr (NM_001256850.1); c.65900C>A, p.Ser21967Tyr (NM_133378.4); c.46409C>A, p.Ser15470Tyr (NM_003319.4); c.46784C>A, p.Ser15595Tyr (NM_133432.3); c.46985C>A, p.Ser15662Tyr (NM_133437.4); c.73604C>A (NM_001267550.1); short protein forms S21967Y, S24535Y, S22894Y, S15470Y, S15595Y, S15662Y.
Identifiers: ClinVar variation 179981 (VCV000179981.70), dbSNP rs201804005, ClinGen allele CA185568.